The following is an entry in ClinVar:

NM_024422.6(DSC2):c.83C>T (p.Ala28Val)

Gene: DSC2 (desmocollin 2; minus strand). Cytogenetic location: 18q12.1.
Variant type: single nucleotide variant.
Coding change: c.83C>T on transcript NM_024422.6 (MANE Select); coding-DNA position 83, C replaced by T.
Protein change: p.Ala28Val; replaces alanine 28 with valine.
Molecular consequence: missense variant. On other transcripts: 5 prime UTR variant (2).
Genome position (GRCh38, 1-based): chr18:31,093,630, G>A on the plus strand (C>T on the coding strand, the complement: DSC2 is on the minus strand). VCF-style: chr18-31093630-G-A. GRCh37 (hg19) VCF-style: chr18-28673593-G-A.
Other names: c.-347C>T (NM_001406506.1, NM_001406507.1); c.83C>T, p.Ala28Val (NM_004949.5); short protein forms A28V.
Identifiers: ClinVar variation 3069551 (VCV003069551.1), dbSNP rs865966331, ClinGen allele CA297645681.
Genomic context (GRCh38, chr18:31,093,630, plus strand): 5'-AGTTTCTCGGCATCTAGTTTGGAGGGAACATGTAATGTCACATTTTTGCAGGCATCACTG[G>A]CAAATATTAAGATCTAAAAAATGAAAAAAAATCAAATAAATATTATGCATAAAAAGAAAA-3'
Protein context (NP_077740.1, residues 18-38): LLLTLAILIF[Ala28Val]SDACKNVTLH

ClinVar aggregate classification (germline): Uncertain significance (1 of 4 stars; one submission).

Conditions:
Familial isolated arrhythmogenic right ventricular dysplasia. Identifiers: Orphanet 217656, MedGen C4274968, MONDO:0016342.

Allele frequency attached by ClinVar (database versions not stated): gnomAD exomes below 0.00001.
gnomAD v4.1: 2 of 1,585,692 alleles (0.00013%); highest among the groups gnomAD compares: Non-Finnish European, 0.000086%; no homozygotes.

Submission:

All of Us Research Program, National Institutes of Health
Classification: Uncertain significance for Familial isolated arrhythmogenic right ventricular dysplasia. Last evaluated: 2023-02-24. Review status: criteria provided, single submitter. Criteria: ACMG Guidelines, 2015. Collection method: clinical testing. Allele origin: germline. Inheritance: Autosomal dominant inheritance. Observed: 1 variant allele, 1 heterozygote.
Comment: This missense variant replaces alanine with valine at codon 28 of the DSC2 protein. Computational prediction suggests that this variant may not impact protein structure and function (internally defined REVEL score threshold <= 0.5, PMID: 27666373). To our knowledge, functional studies have not been reported for this variant. This variant has not been reported in individuals affected with DSC2-related disorders in the literature. This variant has not been identified in the general population by the Genome Aggregation Database (gnomAD). The available evidence is insufficient to determine the role of this variant in disease conclusively. Therefore, this variant is classified as a Variant of Uncertain Significance.

This study involves interpretation of variants in research participants for the purpose of population health screening. Participant phenotype was not available at the time of variant classification. Additional details can be found in publication PMID: 35346344, PMCID: PMC8962531